The following is an entry in ClinVar:

NM_000540.3(RYR1):c.5845C>T (p.Gln1949Ter)

Gene: RYR1 (ryanodine receptor 1; plus strand). Cytogenetic location: 19q13.2.
Variant type: single nucleotide variant.
Coding change: c.5845C>T on transcript NM_000540.3 (MANE Select); coding-DNA position 5845, C replaced by T.
Protein change: p.Gln1949Ter; replaces glutamine 1949 with a stop codon.
Molecular consequence: nonsense.
Genome position (GRCh38, 1-based): chr19:38,490,106, C>T. VCF-style: chr19-38490106-C-T. GRCh37 (hg19) VCF-style: chr19-38980746-C-T.
Other names: c.5845C>T, p.Gln1949Ter (NM_001042723.2); short protein forms Q1949*.
Identifiers: ClinVar variation 3073327 (VCV003073327.1), dbSNP rs1969484637, ClinGen allele CA405660334.
Genomic context (GRCh38, chr19:38,490,106, plus strand): 5'-CTCTCCTCCCACACGGCTGTCCTTCCACAGATGTGCCACCTGCTGGAGTATTTCTGTGAC[C>T]AAGAGCTGCAGCACCGTGTGGAGTCCCTGGCAGCCTTTGCGGAGCGCTATGTGGACAAGC-3'

ClinVar aggregate classification (germline): Uncertain significance (1 of 4 stars; one submission).

Conditions:
Malignant hyperthermia, susceptibility to, 1 (MHS1). Also called: Anesthesia related hyperthermia; Malignant hyperpyrexia; Fulminating hyperpyrexia; Pharmacogenic myopathy; RYR1-Related Malignant Hyperthermia Susceptibility; Malignant hyperthermia suceptibility 1. Identifiers: Orphanet 423, MedGen C2930980, MONDO:0007783, OMIM 145600.

Allele frequency attached by ClinVar (database versions not stated): gnomAD exomes below 0.00001; TOPMed below 0.00001; gnomAD 0.00001.
gnomAD v4.1: 2 of 1,614,044 alleles (0.00012%); highest among the groups gnomAD compares: Non-Finnish European, 0.00017%; no homozygotes.

Submission:

All of Us Research Program, National Institutes of Health
Classification: Uncertain significance for Malignant hyperthermia, susceptibility to, 1. Last evaluated: 2023-09-04. Review status: criteria provided, single submitter. Criteria: ACMG Guidelines, 2015. Collection method: clinical testing. Allele origin: germline. Inheritance: Autosomal dominant inheritance. Observed: 1 variant allele, 1 heterozygote.
Comment: This variant changes 1 nucleotide in exon 36 of the RYR1 gene, creating a premature translation stop signal. This variant is expected to result in an absent or non-functional protein product. To our knowledge, this variant has not been reported in individuals affected with RYR1-related disorders in the literature. This variant has not been identified in the general population by the Genome Aggregation Database (gnomAD). Loss of RYR1 function due to truncation variants is not an established disease mechanism for autosomal dominant malignant hyperthermia, although it is associated with other phenotype(s). Due to insufficient evidence, this variant is classified as a Variant of Uncertain Significance for autosomal dominant malignant hyperthermia.

This study involves interpretation of variants in research participants for the purpose of population health screening. Participant phenotype was not available at the time of variant classification. Additional details can be found in publication PMID: 35346344, PMCID: PMC8962531